The following is an entry in ClinVar:

ClinVar aggregate classification (germline): Uncertain significance (1 of 4 stars; one submission).

Allele frequency attached by ClinVar (database versions not stated): TOPMed below 0.00001.
gnomAD v4.1: 2 of 1,614,204 alleles (0.00012%); highest among the groups gnomAD compares: Non-Finnish European, 0.00017%; no homozygotes.

Submission:

Labcorp Genetics (formerly Invitae), Labcorp
Classification: Uncertain significance. Last evaluated: 2024-04-10. Review status: criteria provided, single submitter. Criteria: Invitae Variant Classification Sherloc (09022015). Collection method: clinical testing. Allele origin: germline.
Comment: This sequence change replaces aspartic acid, which is acidic and polar, with glycine, which is neutral and non-polar, at codon 98 of the REST protein (p.Asp98Gly). This variant is not present in population databases (gnomAD no frequency). This variant has not been reported in the literature in individuals affected with REST-related conditions. ClinVar contains an entry for this variant (Variation ID: 2185734). Algorithms developed to predict the effect of missense changes on protein structure and function output the following: SIFT: "Not Available"; PolyPhen-2: "Benign"; Align-GVGD: "Not Available". The glycine amino acid residue is found in multiple mammalian species, which suggests that this missense change does not adversely affect protein function. In summary, the available evidence is currently insufficient to determine the role of this variant in disease. Therefore, it has been classified as a Variant of Uncertain Significance.

NM_005612.5(REST):c.293A>G (p.Asp98Gly)

Gene: REST (RE1 silencing transcription factor; plus strand). Cytogenetic location: 4q12.
Variant type: single nucleotide variant.
Coding change: c.293A>G on transcript NM_005612.5 (MANE Select); coding-DNA position 293, A replaced by G.
Protein change: p.Asp98Gly; replaces aspartic acid 98 with glycine.
Molecular consequence: missense variant.
Genome position (GRCh38, 1-based): chr4:56,910,931, A>G. VCF-style: chr4-56910931-A-G. GRCh37 (hg19) VCF-style: chr4-57777097-A-G.
Other names: c.293A>G, p.Asp98Gly (NM_001193508.2, NM_001363453.3); short protein forms D98G.
Identifiers: ClinVar variation 2185734 (VCV002185734.4), dbSNP rs1323149927, ClinGen allele CA357003305.